The following is an entry in ClinVar:

ClinVar aggregate classification (germline): Conflicting classifications of pathogenicity. Review status: criteria provided, conflicting classifications (1 of 4 stars). 2 submissions from 2 submitters: Likely pathogenic (1); Uncertain significance (1). Last evaluated 2024-10-13.

Conditions:
Aicardi-Goutieres syndrome 7 (AGS7). Identifiers: Orphanet 51, MedGen C3888244, MONDO:0014367, OMIM 615846.

gnomAD v4.1: 5 of 1,613,170 alleles (0.00031%); highest among the groups gnomAD compares: Non-Finnish European, 0.00042%; no homozygotes.

Submissions (2):

GeneDx
Classification: Uncertain significance. Last evaluated: 2024-10-13. Review status: criteria provided, single submitter. Criteria: GeneDx Variant Classification Process June 2021. Collection method: clinical testing. Allele origin: germline. Affected: yes.
Comment: Has not been previously published as pathogenic or benign to our knowledge; Not observed at significant frequency in large population cohorts (gnomAD); In silico analysis supports that this missense variant has a deleterious effect on protein structure/function; This variant is associated with the following publications: (PMID: 25604658, 31898846)

Breakthrough Genomics
Classification: Likely pathogenic for Aicardi-Goutieres syndrome 7. Last evaluated: 2021-06-23. Review status: criteria provided, single submitter. Criteria: ACMG Guidelines, 2015. Collection method: clinical testing. Allele origin: germline. Affected: yes.
Comment: This variant is predicted to be damaging by in-silico missense prediction tools (SIFT and Polyphen2). It seems to be a novel variant, as it has not been previously reported in population or public databases or in the literature. However, another missense variant (p.Arg824Lys) affecting the same codon of the identified variant has been reported as pathogenic in the context of Aicardi-Goutieres syndrome 7 in the ClinVar database. IFIH1 mutations are often described as cause of a spectrum of severe neuroinflammatory phenotypes with both motor and cognitive impairment [PMID: 30593198, 31898846].

NM_022168.4(IFIH1):c.2472A>C (p.Arg824Ser)

Gene: IFIH1 (interferon induced with helicase C domain 1; minus strand). Cytogenetic location: 2q24.2.
Variant type: single nucleotide variant.
Coding change: c.2472A>C on transcript NM_022168.4 (MANE Select); coding-DNA position 2472, A replaced by C.
Protein change: p.Arg824Ser; replaces arginine 824 with serine.
Molecular consequence: missense variant.
Genome position (GRCh38, 1-based): chr2:162,272,370, T>G on the plus strand (A>C on the coding strand, the complement: IFIH1 is on the minus strand). VCF-style: chr2-162272370-T-G. GRCh37 (hg19) VCF-style: chr2-163128880-T-G.
Other names: p.Arg824Ser; c.2472A>C (NM_022168.3); short protein forms R824S.
Identifiers: ClinVar variation 3255567 (VCV003255567.3).
Genomic context (GRCh38, chr2:162,272,370, plus strand): 5'-CTCATGTTCGATAACTCCTGAACCACTGTGAGCAACCAGGACGTAGGTGCTCTCATCAGC[T>G]CTGGCTCGACCACGGGCCTGAAAACACAAATAAATCAAGTAAATGAAAGGGTACGTTGTG-3'
Protein context (NP_071451.2, residues 814-834): IAMVQARGRA[Arg824Ser]ADESTYVLVA